The following is an entry in ClinVar:

ClinVar aggregate classification (germline): Uncertain significance (1 of 4 stars; one submission).

Conditions:
Familial acute necrotizing encephalopathy (IIAE3). Also called: ENCEPHALOPATHY, ACUTE, INFECTION-INDUCED, SUSCEPTIBILITY TO, 3; Susceptibility to Acute Necrotizing Encephalopathy 1. Identifiers: Orphanet 88619, MedGen C2675556, MONDO:0011953, OMIM 608033.

Allele frequency attached by ClinVar (database versions not stated): gnomAD exomes below 0.00001.
gnomAD v4.1: 1 of 1,613,860 alleles (0.000062%); highest among the groups gnomAD compares: Admixed American, 0.0017%; no homozygotes.

Submission:

Labcorp Genetics (formerly Invitae), Labcorp
Classification: Uncertain significance for Familial acute necrotizing encephalopathy. Last evaluated: 2020-07-24. Review status: criteria provided, single submitter. Criteria: Invitae Variant Classification Sherloc (09022015). Collection method: clinical testing. Allele origin: germline.
Comment: In summary, the available evidence is currently insufficient to determine the role of this variant in disease. Therefore, it has been classified as a Variant of Uncertain Significance. Algorithms developed to predict the effect of missense changes on protein structure and function (SIFT, PolyPhen-2, Align-GVGD) all suggest that this variant is likely to be disruptive, but these predictions have not been confirmed by published functional studies and their clinical significance is uncertain. This variant has not been reported in the literature in individuals with RANBP2-related conditions. This variant is not present in population databases (ExAC no frequency). This sequence change replaces lysine with glutamine at codon 2708 of the RANBP2 protein (p.Lys2708Gln). The lysine residue is highly conserved and there is a small physicochemical difference between lysine and glutamine.

NM_006267.5(RANBP2):c.8122A>C (p.Lys2708Gln)

Gene: RANBP2 (RAN binding protein 2; plus strand). Cytogenetic location: 2q13.
Variant type: single nucleotide variant.
Coding change: c.8122A>C on transcript NM_006267.5 (MANE Select); coding-DNA position 8122, A replaced by C.
Protein change: p.Lys2708Gln; replaces lysine 2708 with glutamine.
Molecular consequence: missense variant.
Genome position (GRCh38, 1-based): chr2:108,772,876, A>C. VCF-style: chr2-108772876-A-C. GRCh37 (hg19) VCF-style: chr2-109389332-A-C.
Other names: short protein forms K2708Q.
Identifiers: ClinVar variation 1059901 (VCV001059901.10), dbSNP rs1385654757, ClinGen allele CA348082687.